The following is an entry in ClinVar:

ClinVar aggregate classification (germline): Uncertain significance. Review status: criteria provided, multiple submitters, no conflicts (2 of 4 stars). 2 submissions from 2 submitters: Uncertain significance (2). Last evaluated 2024-05-10.

Conditions:
Cornelia de Lange syndrome 1 (CDLS1). Also called: NIPBL-Related Cornelia de Lange Syndrome; TYPUS DEGENERATIVUS AMSTELODAMENSIS; Brachmann de Lange syndrome. Identifiers: Orphanet 199, MedGen C4551851, MONDO:0007387, OMIM 122470.

Submissions (2):

Fulgent Genetics
Classification: Uncertain significance for Cornelia de Lange syndrome 1. Last evaluated: 2024-05-10. Review status: criteria provided, single submitter. Criteria: ACMG Guidelines, 2015. Collection method: clinical testing. Allele origin: germline.

Diagnostics Division, CENTRE FOR DNA FINGERPRINTING AND DIAGNOSTICS
Classification: Uncertain significance for Cornelia de Lange syndrome 1. Review status: criteria provided, single submitter. Criteria: ACMG Guidelines, 2015. Collection method: research. Allele origin: unknown. Inheritance: Autosomal dominant inheritance. Affected: yes. Observed: 1 heterozygote.
Comment: Nonframeshift deletion

NM_133433.4(NIPBL):c.3868GAA[3] (p.Glu1293del)

Gene: NIPBL (NIPBL cohesin loading factor; plus strand). Cytogenetic location: 5p13.2.
Variant type: Microsatellite.
Coding change: c.3868GAA[3] on transcript NM_133433.4 (MANE Select); three copies in a row of the 3-base unit GAA starting at c.3868; the reference has four copies in a row; one copy, 3 bases deleted; also written c.3877_3879del.
Protein change: p.Glu1293del; deletes glutamic acid 1293.
Molecular consequence: inframe deletion.
Genome position (GRCh38, 1-based): chr5:37,006,378-37,006,380, GAA deleted; deleting any 3 consecutive bases within chr5:37,006,369-37,006,380 gives the same sequence; the position shown is the placement nearest the transcript's 3' end. VCF-style (leftmost placement, unchanged base first): chr5-37006368-TGAA-T. GRCh37 (hg19) VCF-style: chr5-37006470-TGAA-T.
Other names: c.3868_3870delGAA (NM_133433.4); c.3868GAA[3], p.Glu1293del (NM_015384.5); c.3877_3879del (NM_133433.4); short protein forms E1293del.
Identifiers: ClinVar variation 619126 (VCV000619126.4), dbSNP rs773996562, ClinGen allele CA3236465.
Genomic context (GRCh38, chr5:37,006,368, plus strand): 5'-AACCTATAAATGTGTTTATTTCCATTTCATTAACAATACTGTTTTACAGAATAACGATAC[TGAA>T]GAAGAAGAAAGGTTATGGAGAGACCTTATTATGGAGAGAGTTACAAAATCAGCGGATGCT-3'